The following is an entry in ClinVar:

NM_000525.4(KCNJ11):c.8C>T (p.Ser3Phe)

Gene: KCNJ11 (potassium inwardly rectifying channel subfamily J member 11; minus strand). Cytogenetic location: 11p15.1.
Variant type: single nucleotide variant.
Coding change: c.8C>T on transcript NM_000525.4 (MANE Select); coding-DNA position 8, C replaced by T.
Protein change: p.Ser3Phe; replaces serine 3 with phenylalanine.
Molecular consequence: missense variant. On other transcripts: intron variant (3).
Genome position (GRCh38, 1-based): chr11:17,388,084, G>A on the plus strand (C>T on the coding strand, the complement: KCNJ11 is on the minus strand). VCF-style: chr11-17388084-G-A. GRCh37 (hg19) VCF-style: chr11-17409631-G-A.
Other names: c.-16-238C>T (NM_001166290.2, NM_001377297.1); c.-75-8C>T (NM_001377296.1); short protein forms S3F.
Identifiers: ClinVar variation 1679208 (VCV001679208.1), dbSNP rs587783674, ClinGen allele CA379777902.
Genomic context (GRCh38, chr11:17,388,084, plus strand): 5'-TTGGCAGGGTCCTCTGCCAGGCGTGTCAGCACGTATTCCTCGGGGATGATGCCCTTGCGG[G>A]ACAGCATGGCTCCGGTGACCCCCAGGGAGGGGCTTCCCCCATCGGAGGCACCCCTCGGAC-3'
Protein context (NP_000516.3, residues 1-13): ML[Ser3Phe]RKGIIPEEYV

ClinVar aggregate classification (germline): Uncertain significance (1 of 4 stars; one submission).

Conditions:
Type 2 diabetes mellitus. Also called: Type II diabetes mellitus. Identifiers: MedGen C0011860, MeSH D003924, MONDO:0005148, OMIM 125853, HP:0005978.

Submission:

Clinical Genomics, Uppaluri K&H Personalized Medicine Clinic
Classification: Uncertain significance for Type 2 diabetes mellitus. Review status: criteria provided, single submitter. Criteria: K&H Uppaluri Personalized Medicine Clinic Variant Classification & Assertion Criteria. Collection method: research. Allele origin: somatic. Inheritance: Autosomal dominant inheritance.
Comment: Mutations in KCNJ11 gene can cause decreased production and secretion of insulin. This can lead to MODY which is responsive to oral sulfonylureas.Uncertain significance of p.S3C (rs587783674) variant is seen in neonatal and type II diabetes mellitus.

Literature cited by the submitters: PubMed 29454299; PubMed 28173619.